The following is an entry in ClinVar:

NM_000053.4(ATP7B):c.4391A>C (p.Tyr1464Ser)

Gene: ATP7B (ATPase copper transporting beta; minus strand). Cytogenetic location: 13q14.3.
Variant type: single nucleotide variant.
Coding change: c.4391A>C on transcript NM_000053.4 (MANE Select); coding-DNA position 4391, A replaced by C.
Protein change: p.Tyr1464Ser; replaces tyrosine 1464 with serine.
Molecular consequence: missense variant.
Genome position (GRCh38, 1-based): chr13:51,934,763, T>G on the plus strand (A>C on the coding strand, the complement: ATP7B is on the minus strand). VCF-style: chr13-51934763-T-G. GRCh37 (hg19) VCF-style: chr13-52508899-T-G.
Other names: c.3770A>C, p.Tyr1257Ser (NM_001005918.3); c.4058A>C, p.Tyr1353Ser (NM_001243182.2); c.4157A>C, p.Tyr1386Ser (NM_001330578.2); c.4139A>C, p.Tyr1380Ser (NM_001330579.2); short protein forms Y1386S, Y1353S, Y1464S, Y1257S, Y1380S.
Identifiers: ClinVar variation 1443683 (VCV001443683.6), dbSNP rs770175421, ClinGen allele CA6988407.

ClinVar aggregate classification (germline): Uncertain significance. Review status: criteria provided, multiple submitters, no conflicts (2 of 4 stars). 2 submissions from 2 submitters: Uncertain significance (2). Last evaluated 2024-09-23.

Conditions:
Wilson disease (WND). Also called: Wilson's disease. Identifiers: Orphanet 905, MedGen C0019202, MONDO:0010200, OMIM 277900. Disease mechanism: loss of function.

Allele frequency attached by ClinVar (database versions not stated): gnomAD exomes below 0.00001 and 0.00001; TOPMed below 0.00001; ExAC 0.00001; gnomAD 0.00001.
gnomAD v4.1: 3 of 1,613,624 alleles (0.00019%); highest among the groups gnomAD compares: Non-Finnish European, 0.00025%; no homozygotes.

Submissions (2):

All of Us Research Program, National Institutes of Health
Classification: Uncertain significance for Wilson disease. Last evaluated: 2024-09-23. Review status: criteria provided, single submitter. Criteria: ACMG Guidelines, 2015. Collection method: clinical testing. Allele origin: germline. Inheritance: Autosomal recessive inheritance. Observed: 3 variant alleles, 3 heterozygotes.
Comment: This missense variant replaces tyrosine with serine at codon 1464 of the ATP7B protein. Computational prediction suggests that this variant may not impact protein structure and function (internally defined REVEL score threshold <= 0.5, PMID: 27666373). To our knowledge, functional studies have not been reported for this variant. This variant has not been reported in individuals affected with Wilson disease in the literature. This variant has been identified in 2/249184 chromosomes in the general population by the Genome Aggregation Database (gnomAD). The available evidence is insufficient to determine the role of this variant in disease conclusively. Therefore, this variant is classified as a Variant of Uncertain Significance.

This study involves interpretation of variants in research participants for the purpose of population health screening. Participant phenotype was not available at the time of variant classification. Additional details can be found in publication PMID: 35346344, PMCID: PMC8962531

Labcorp Genetics (formerly Invitae), Labcorp
Classification: Uncertain significance for Wilson disease. Last evaluated: 2022-08-23. Review status: criteria provided, single submitter. Criteria: Invitae Variant Classification Sherloc (09022015). Collection method: clinical testing. Allele origin: germline.
Comment: This sequence change replaces tyrosine, which is neutral and polar, with serine, which is neutral and polar, at codon 1464 of the ATP7B protein (p.Tyr1464Ser). This variant is present in population databases (rs770175421, gnomAD 0.002%). This variant has not been reported in the literature in individuals affected with ATP7B-related conditions. ClinVar contains an entry for this variant (Variation ID: 1443683). Advanced modeling of protein sequence and biophysical properties (such as structural, functional, and spatial information, amino acid conservation, physicochemical variation, residue mobility, and thermodynamic stability) performed at Invitae indicates that this missense variant is not expected to disrupt ATP7B protein function. In summary, the available evidence is currently insufficient to determine the role of this variant in disease. Therefore, it has been classified as a Variant of Uncertain Significance.